The following is an entry in ClinVar:

ClinVar aggregate classification (germline): Uncertain significance (1 of 4 stars; one submission).

Conditions:
Cardiovascular phenotype. Identifiers: MedGen CN230736.

Submission:

Ambry Genetics
Classification: Uncertain significance for Cardiovascular phenotype. Last evaluated: 2022-11-20. Review status: criteria provided, single submitter. Criteria: Ambry Variant Classification Scheme 2023. Collection method: clinical testing. Allele origin: germline.
Comment: The p.E493D variant (also known as c.1479G>C), located in coding exon 10 of the LMF1 gene, results from a G to C substitution at nucleotide position 1479. The glutamic acid at codon 493 is replaced by aspartic acid, an amino acid with highly similar properties. This amino acid position is conserved. In addition, this alteration is predicted to be tolerated by in silico analysis. Since supporting evidence is limited at this time, the clinical significance of this alteration remains unclear.

NM_022773.4(LMF1):c.1479G>C (p.Glu493Asp)

Gene: LMF1 (lipase maturation factor 1; minus strand). Cytogenetic location: 16p13.3.
Variant type: single nucleotide variant.
Coding change: c.1479G>C on transcript NM_022773.4 (MANE Select); coding-DNA position 1479, G replaced by C.
Protein change: p.Glu493Asp; replaces glutamic acid 493 with aspartic acid.
Molecular consequence: missense variant. On other transcripts: non-coding transcript variant (1).
Genome position (GRCh38, 1-based): chr16:868,994, C>G on the plus strand (G>C on the coding strand, the complement: LMF1 is on the minus strand). VCF-style: chr16-868994-C-G. GRCh37 (hg19) VCF-style: chr16-918994-C-G.
Other names: c.828G>C, p.Glu276Asp (NM_001352017.2, NM_001352021.2); c.1080G>C, p.Glu360Asp (NM_001352018.2); c.1152G>C, p.Glu384Asp (NM_001352019.2); c.1399G>C, p.Gly467Arg (NM_001352020.1); short protein forms E276D, E493D, E384D, G467R, E360D.
Identifiers: ClinVar variation 2451792 (VCV002451792.2), dbSNP rs2544486692, ClinGen allele CA394121553.
Genomic context (GRCh38, chr16:868,994, plus strand): 5'-GGCATCCTACCTGGGCGGGGGCCTGCCCGCGAAGGGGTTGTGTGCCAGCAGGGACAAGGC[C>G]TCGGCGTCGCTGGCCAGGAGCTTGCCAGCCAGGTGGATGATCCAGTCGTTGTGCTCGTAG-3'
Protein context (NP_073610.2, residues 483-503): LAGKLLASDA[Glu493Asp]ALSLLAHNPF